The following is an entry in ClinVar:

ClinVar aggregate classification (germline): Pathogenic/Likely pathogenic. Review status: criteria provided, multiple submitters, no conflicts (2 of 4 stars). 8 submissions from 7 submitters: Pathogenic (5); Likely pathogenic (1). 2 of the submissions do not count toward it. Last evaluated 2025-11-10.

Conditions:
Becker muscular dystrophy (BMD). Also called: MUSCULAR DYSTROPHY, PSEUDOHYPERTROPHIC PROGRESSIVE, BECKER TYPE; Becker Muscular Dystrophy (BMD). Identifiers: Orphanet 98895, MedGen C0917713, MONDO:0010311, OMIM 300376.
Duchenne muscular dystrophy (DMD). Also called: Duchenne Muscular Dystrophy (DMD); MUSCULAR DYSTROPHY, PSEUDOHYPERTROPHIC PROGRESSIVE, DUCHENNE TYPE. Identifiers: Orphanet 98896, MedGen C0013264, MONDO:0010679, OMIM 310200.
Dilated cardiomyopathy 3B (CMD3B). Also called: CMD3B: DMD-Related Dilated Cardiomyopathy; CARDIOMYOPATHY, DILATED, X-LINKED; DMD-Associated Dilated Cardiomyopathy. Identifiers: Orphanet 154, MedGen C3668940, MONDO:0010542, OMIM 302045.

Submissions (8):

Labcorp Genetics (formerly Invitae), Labcorp
Classification: Pathogenic for Duchenne muscular dystrophy. Last evaluated: 2025-11-10. Review status: criteria provided, single submitter. Criteria: Invitae Variant Classification Sherloc (09022015). Collection method: clinical testing. Allele origin: germline.
Comment: This variant, c.10101_10103del, results in the deletion of 1 amino acid(s) of the DMD protein (p.Glu3367del), but otherwise preserves the integrity of the reading frame. This variant is not present in population databases (gnomAD no frequency). This variant has been observed in individual(s) with Duchenne muscular dystrophy (DMD) and/or Becker muscular dystrophy (BMD) (PMID: 14961551, 19959795, 21515508, 23536893, 30342905). ClinVar contains an entry for this variant (Variation ID: 284288). Experimental studies and prediction algorithms are not available or were not evaluated, and the functional significance of this variant is currently unknown. For these reasons, this variant has been classified as Pathogenic.

Athena Diagnostics
Classification: Pathogenic. Last evaluated: 2025-03-20. Review status: criteria provided, single submitter. Criteria: Athena Diagnostics Criteria. Collection method: clinical testing. Allele origin: unknown.
Comment: This variant has not been reported in large, multi-ethnic general populations. This variant is primarily reported in patients presenting with Duchenne muscular dystrophy (DMD), but it has also been reported in a patient with Becker muscular dystrophy (BMD; PMID: 27582364), and in individuals where the type of dystrophinopathy was not specified (PMID: 17726484, 19959795). This variant appears to segregate with disease in at least one family. Computational tools yielded predictions that this variant is unlikely to have an effect on normal RNA splicing.

Revvity Omics, Revvity
Classification: Likely pathogenic. Last evaluated: 2023-01-24. Review status: criteria provided, single submitter. Criteria: ACMG Guidelines, 2015. Collection method: clinical testing. Allele origin: germline.

Fulgent Genetics
Classification: Pathogenic for Becker muscular dystrophy; Dilated cardiomyopathy 3B; Duchenne muscular dystrophy. Last evaluated: 2022-03-22. Review status: criteria provided, single submitter. Criteria: ACMG Guidelines, 2015. Collection method: clinical testing. Allele origin: unknown.

GeneDx
Classification: Pathogenic. Last evaluated: 2019-06-04. Review status: criteria provided, single submitter. Criteria: GeneDx Variant Classification Process June 2021. Collection method: clinical testing. Allele origin: germline. Affected: yes.
Comment: Not observed in large population cohorts (Lek et al., 2016); In-frame deletion of one amino acid in a non-repeat region; In silico analysis, which includes protein predictors and evolutionary conservation, supports a deleterious effect; This variant is associated with the following publications: (PMID: 14961551, 30342905, 29973226, 23536893, 26284620, 21515508, 28152980)

Eurofins Ntd Llc (ga)
Classification: Pathogenic. Last evaluated: 2015-11-24. Review status: criteria provided, single submitter. Criteria: EGL Classification Definitions 2015. Collection method: clinical testing. Allele origin: germline. Observed: 2 variant alleles, 1 heterozygote, 1 hemizygote.

Clinical Molecular Genetics Laboratory, Johns Hopkins All Children's Hospital
Classification: Pathogenic for Duchenne muscular dystrophy. Last evaluated: 2014-04-11. Review status: no assertion criteria provided. Collection method: clinical testing. Allele origin: germline. Affected: yes. Not counted in ClinVar's aggregate classification.

Clinical Molecular Genetics Laboratory, Johns Hopkins All Children's Hospital
Classification: Pathogenic for Becker muscular dystrophy. Last evaluated: 2014-04-11. Review status: no assertion criteria provided. Collection method: clinical testing. Allele origin: germline. Affected: yes. Not counted in ClinVar's aggregate classification.

Literature cited by the submitters: PubMed 14961551 (cited by Labcorp Genetics (formerly Invitae), Labcorp and Athena Diagnostics); PubMed 19959795 (cited by Labcorp Genetics (formerly Invitae), Labcorp and Athena Diagnostics); PubMed 21515508 (cited by Labcorp Genetics (formerly Invitae), Labcorp and Athena Diagnostics); PubMed 23536893 (cited by Labcorp Genetics (formerly Invitae), Labcorp and Athena Diagnostics); PubMed 30342905 (cited by Labcorp Genetics (formerly Invitae), Labcorp and Athena Diagnostics); PubMed 29973226 (cited by Athena Diagnostics); PubMed 33644936 (cited by Athena Diagnostics); PubMed 27582364 (cited by Athena Diagnostics); PubMed 17726484 (cited by Athena Diagnostics); PubMed 26284620 (cited by Athena Diagnostics).

NM_004006.3(DMD):c.10098AGA[1] (p.Glu3367del)

Gene: DMD (dystrophin; minus strand). Cytogenetic location: Xp21.2.
Variant type: Microsatellite.
Coding change: c.10098AGA[1] on transcript NM_004006.3 (MANE Select); one copy of the 3-base unit AGA starting at c.10098; the reference has two copies in a row; one copy, 3 bases deleted.
Protein change: p.Glu3367del; deletes glutamic acid 3367.
Molecular consequence: inframe deletion.
Genome position (GRCh38, 1-based): chrX:31,178,789-31,178,791, TCT deleted on the plus strand (AGA on the coding strand, the reverse complement: DMD is on the minus strand); deleting any 3 consecutive bases within chrX:31,178,789-31,178,794 gives the same sequence; the position shown is the placement nearest the transcript's 3' end. VCF-style (leftmost placement, unchanged base first): chrX-31178788-ATCT-A. GRCh37 (hg19) VCF-style: chrX-31196905-ATCT-A.
Other names: c.10074AGA[1], p.Glu3359del (NM_000109.4); c.10086AGA[1], p.Glu3363del (NM_004009.3); c.9729AGA[1], p.Glu3244del (NM_004010.3); c.6075AGA[1], p.Glu2026del (NM_004011.4); c.6066AGA[1], p.Glu2023del (NM_004012.4); c.2718AGA[1], p.Glu907del (NM_004013.3, NM_004020.4, NM_004021.3 and 2 more transcripts); c.1911AGA[1], p.Glu638del (NM_004014.3); c.894AGA[1], p.Glu299del (NM_004015.3, NM_004016.3, NM_004017.3 and 2 more transcripts); and 1 more; short protein forms E3367del, E2023del, E299del, E3359del, E3363del, E638del, E907del, E2026del.
Identifiers: ClinVar variation 284288 (VCV000284288.20), dbSNP rs886042840, ClinGen allele CA10604751.